The following is an entry in ClinVar:

NM_001457.4(FLNB):c.5337del (p.Asn1779fs)

Gene: FLNB (filamin B; plus strand). Cytogenetic location: 3p14.3.
Variant type: Deletion.
Coding change: c.5337del on transcript NM_001457.4 (MANE Select); coding-DNA position 5337, one base deleted (C; older notation c.5337delC).
Protein change: p.Asn1779fs; shifts the reading frame from asparagine 1779.
Molecular consequence: frameshift variant.
Genome position (GRCh38, 1-based): chr3:58,143,525, C deleted. VCF-style (leftmost placement, unchanged base first): chr3-58143524-AC-A. GRCh37 (hg19) VCF-style: chr3-58129251-AC-A.
Other names: c.5430del, p.Asn1810fs (NM_001164317.2); c.5304del, p.Asn1768fs (NM_001164318.2); c.5265del, p.Asn1755fs (NM_001164319.2); short protein forms N1810fs, N1755fs, N1768fs, N1779fs.
Identifiers: ClinVar variation 2008393 (VCV002008393.4), dbSNP rs2471190188, ClinGen allele CA2580070377.

ClinVar aggregate classification (germline): Pathogenic (1 of 4 stars; one submission).

Submission:

Labcorp Genetics (formerly Invitae), Labcorp
Classification: Pathogenic. Last evaluated: 2022-06-19. Review status: criteria provided, single submitter. Criteria: Invitae Variant Classification Sherloc (09022015). Collection method: clinical testing. Allele origin: germline.
Comment: This sequence change creates a premature translational stop signal (p.Asn1779Lysfs*38) in the FLNB gene. It is expected to result in an absent or disrupted protein product. Loss-of-function variants in FLNB are known to be pathogenic (PMID: 14991055). For these reasons, this variant has been classified as Pathogenic. Algorithms developed to predict the effect of sequence changes on RNA splicing suggest that this variant may disrupt the consensus splice site. This variant has not been reported in the literature in individuals affected with FLNB-related conditions. This variant is not present in population databases (gnomAD no frequency).

Literature cited by the submitters: PubMed 14991055.